The following is an entry in ClinVar:

NM_007373.4(SHOC2):c.991G>T (p.Val331Leu)

Gene: SHOC2 (SHOC2 leucine rich repeat scaffold protein; plus strand). Cytogenetic location: 10q25.2.
Variant type: single nucleotide variant.
Coding change: c.991G>T on transcript NM_007373.4 (MANE Select); coding-DNA position 991, G replaced by T.
Protein change: p.Val331Leu; replaces valine 331 with leucine.
Molecular consequence: missense variant. On other transcripts: non-coding transcript variant (1).
Genome position (GRCh38, 1-based): chr10:111,004,624, G>T. VCF-style: chr10-111004624-G-T. GRCh37 (hg19) VCF-style: chr10-112764382-G-T.
Other names: c.853G>T, p.Val285Leu (NM_001269039.3); c.991G>T, p.Val331Leu (NM_001324336.2, NM_001324337.2); short protein forms V285L, V331L.
Identifiers: ClinVar variation 3621433 (VCV003621433.3).

ClinVar aggregate classification (germline): Uncertain significance. Review status: criteria provided, multiple submitters, no conflicts (2 of 4 stars). 2 submissions from 2 submitters: Uncertain significance (2). Last evaluated 2025-12-11.

Conditions:
Cardiovascular phenotype. Identifiers: MedGen CN230736.
RASopathy. Also called: rasopathies; Noonan spectrum disorder. Identifiers: Orphanet 536391, MedGen C5555857, MONDO:0021060.

Submissions (2):

Ambry Genetics
Classification: Uncertain significance for Cardiovascular phenotype. Last evaluated: 2025-12-11. Review status: criteria provided, single submitter. Criteria: Ambry Variant Classification Scheme 2023. Collection method: clinical testing. Allele origin: germline.

Labcorp Genetics (formerly Invitae), Labcorp
Classification: Uncertain significance for RASopathy. Last evaluated: 2024-10-17. Review status: criteria provided, single submitter. Criteria: Invitae Variant Classification Sherloc (09022015). Collection method: clinical testing. Allele origin: germline.
Comment: This sequence change replaces valine, which is neutral and non-polar, with leucine, which is neutral and non-polar, at codon 331 of the SHOC2 protein (p.Val331Leu). This variant is not present in population databases (gnomAD no frequency). This variant has not been reported in the literature in individuals affected with SHOC2-related conditions. Invitae Evidence Modeling of protein sequence and biophysical properties (such as structural, functional, and spatial information, amino acid conservation, physicochemical variation, residue mobility, and thermodynamic stability) indicates that this missense variant is not expected to disrupt SHOC2 protein function with a negative predictive value of 80%. In summary, the available evidence is currently insufficient to determine the role of this variant in disease. Therefore, it has been classified as a Variant of Uncertain Significance.